The following is an entry in ClinVar:

NM_000465.4(BARD1):c.2103G>C (p.Gln701His)

Gene: BARD1 (BRCA1 associated RING domain 1; minus strand). Cytogenetic location: 2q35.
Variant type: single nucleotide variant.
Coding change: c.2103G>C on transcript NM_000465.4 (MANE Select); coding-DNA position 2103, G replaced by C.
Protein change: p.Gln701His; replaces glutamine 701 with histidine.
Molecular consequence: missense variant. On other transcripts: non-coding transcript variant (3).
Genome position (GRCh38, 1-based): chr2:214,728,907, C>G on the plus strand (G>C on the coding strand, the complement: BARD1 is on the minus strand). VCF-style: chr2-214728907-C-G. GRCh37 (hg19) VCF-style: chr2-215593631-C-G.
Other names: c.2046G>C, p.Gln682His (NM_001282543.2); c.750G>C, p.Gln250His (NM_001282545.2); c.693G>C, p.Gln231His (NM_001282548.2); c.564G>C, p.Gln188His (NM_001282549.2); short protein forms Q188H, Q231H, Q250H, Q682H, Q701H.
Identifiers: ClinVar variation 4867402 (VCV004867402.1).

ClinVar aggregate classification (germline): Uncertain significance (1 of 4 stars; one submission).

Conditions:
Hereditary cancer-predisposing syndrome. Also called: Neoplastic Syndromes, Hereditary; Tumor predisposition; Hereditary Cancer Syndrome; Hereditary neoplastic syndrome. Identifiers: Orphanet 140162, MedGen C0027672, MeSH D009386, MONDO:0015356.

Submission:

Ambry Genetics
Classification: Uncertain significance for Hereditary cancer-predisposing syndrome. Last evaluated: 2026-05-27. Review status: criteria provided, single submitter. Criteria: Ambry Variant Classification Scheme 2023. Collection method: clinical testing. Allele origin: germline.
Comment: The p.Q701H variant (also known as c.2103G>C), located in coding exon 11 of the BARD1 gene, results from a G to C substitution at nucleotide position 2103. The glutamine at codon 701 is replaced by histidine, an amino acid with highly similar properties. This amino acid position is conserved. In addition, this alteration is predicted to be tolerated by in silico analysis. Based on the available evidence, the clinical significance of this variant remains unclear.